The following is an entry in ClinVar:

NM_001364905.1(LRBA):c.5754+4G>A

Gene: LRBA (LPS responsive beige-like anchor protein; minus strand). Cytogenetic location: 4q31.3.
Variant type: single nucleotide variant.
Coding change: c.5754+4G>A on transcript NM_001364905.1 (MANE Select); 4 bases into the intron after coding-DNA position 5754, G replaced by A.
Molecular consequence: intron variant.
Genome position (GRCh38, 1-based): chr4:150,735,254, C>T on the plus strand (G>A on the coding strand, the complement: LRBA is on the minus strand). VCF-style: chr4-150735254-C-T. GRCh37 (hg19) VCF-style: chr4-151656406-C-T.
Other names: c.5754+4G>A (NM_001367550.1, NM_006726.5, NM_001199282.3 and 2 more transcripts).
Identifiers: ClinVar variation 944839 (VCV000944839.7), dbSNP rs751363369, ClinGen allele CA3102379.

ClinVar aggregate classification (germline): Uncertain significance (1 of 4 stars; one submission).

Conditions:
Combined immunodeficiency due to LRBA deficiency. Also called: Common variable immunodeficiency 8, with autoimmunity. Identifiers: Orphanet 445018, MedGen C3553512, MONDO:0013863, OMIM 614700.

Allele frequency attached by ClinVar (database versions not stated): TOPMed 0.00003; gnomAD 0.00001; gnomAD exomes 0.00002 and 0.00003; ExAC 0.00001.
gnomAD v4.1: 22 of 1,606,874 alleles (0.0014%); highest among the groups gnomAD compares: Admixed American, 0.015%; no homozygotes.

Submission:

Labcorp Genetics (formerly Invitae), Labcorp
Classification: Uncertain significance for Combined immunodeficiency due to LRBA deficiency. Last evaluated: 2022-06-26. Review status: criteria provided, single submitter. Criteria: Invitae Variant Classification Sherloc (09022015). Collection method: clinical testing. Allele origin: germline.
Comment: This sequence change falls in intron 36 of the LRBA gene. It does not directly change the encoded amino acid sequence of the LRBA protein. It affects a nucleotide within the consensus splice site. This variant is present in population databases (rs751363369, gnomAD 0.02%). This variant has not been reported in the literature in individuals affected with LRBA-related conditions. ClinVar contains an entry for this variant (Variation ID: 944839). Variants that disrupt the consensus splice site are a relatively common cause of aberrant splicing (PMID: 17576681, 9536098). Algorithms developed to predict the effect of sequence changes on RNA splicing suggest that this variant is not likely to affect RNA splicing. In summary, the available evidence is currently insufficient to determine the role of this variant in disease. Therefore, it has been classified as a Variant of Uncertain Significance.

Literature cited by the submitters: PubMed 17576681; PubMed 9536098.